The following is an entry in ClinVar:

ClinVar aggregate classification (germline): Pathogenic (1 of 4 stars; one submission).

Conditions:
Marfan syndrome (MFS). Also called: MARFAN SYNDROME, TYPE I; Marfan syndrome type 1; Marfan's syndrome; Marfan syndrome, classic; FBN1-Related Marfan Syndrome. Identifiers: Orphanet 284963, Orphanet 558, MedGen C0024796, MONDO:0007947, OMIM 154700.
Familial thoracic aortic aneurysm and aortic dissection (TAAD). Also called: Thoracic aortic aneurysms and dissections. Identifiers: Orphanet 91387, MedGen C4707243, MONDO:0019625.

Submission:

Labcorp Genetics (formerly Invitae), Labcorp
Classification: Pathogenic for Marfan syndrome; Familial thoracic aortic aneurysm and aortic dissection. Last evaluated: 2022-11-25. Review status: criteria provided, single submitter. Criteria: Invitae Variant Classification Sherloc (09022015). Collection method: clinical testing. Allele origin: germline.
Comment: For these reasons, this variant has been classified as Pathogenic. This sequence change affects an acceptor splice site in intron 30 of the FBN1 gene. It is expected to disrupt RNA splicing. Variants that disrupt the donor or acceptor splice site typically lead to a loss of protein function (PMID: 16199547), and loss-of-function variants in FBN1 are known to be pathogenic (PMID: 17657824, 19293843). This variant is not present in population databases (gnomAD no frequency). Disruption of this splice site has been observed in individuals with Marfan syndrome (PMID: 29848614; Invitae). Algorithms developed to predict the effect of sequence changes on RNA splicing suggest that this variant may disrupt the consensus splice site.

Literature cited by the submitters: PubMed 16199547; PubMed 17657824; PubMed 19293843; PubMed 29848614.

NM_000138.5(FBN1):c.3713-2A>C

Gene: FBN1 (fibrillin 1; minus strand). Cytogenetic location: 15q21.1.
Variant type: single nucleotide variant.
Coding change: c.3713-2A>C on transcript NM_000138.5 (MANE Select); the canonical splice acceptor site of the intron before coding-DNA position 3713, A replaced by C.
Molecular consequence: splice acceptor variant.
Genome position (GRCh38, 1-based): chr15:48,483,945, T>G on the plus strand (A>C on the coding strand, the complement: FBN1 is on the minus strand). VCF-style: chr15-48483945-T-G. GRCh37 (hg19) VCF-style: chr15-48776142-T-G.
Other names: c.3713-2A>C (NM_001406716.1).
Identifiers: ClinVar variation 2941836 (VCV002941836.3), dbSNP rs1131691604, ClinGen allele CA392324273.
Genomic context (GRCh38, chr15:48,483,945, plus strand): 5'-GATATTTGTGCACTGACCACCATCACAGATATTGGGATTATCTTCACACTCATCGATGTC[T>G]GCAAAGAATAAAACCAACAACCACAGGTTGTTGATATTGGTTCCACTGTTCAGTGAGAAA-3'